The following is an entry in ClinVar:

ClinVar aggregate classification (germline): Uncertain significance (1 of 4 stars; one submission).

Conditions:
Epilepsy, childhood absence, susceptibility to, 1. Also called: Epilepsy, childhood absence 1. Identifiers: Orphanet 64280, MedGen C1838604, MONDO:0020759, OMIM 600131.
Epilepsy, childhood absence, susceptibility to, 5. Identifiers: Orphanet 64280, MedGen C2677087, MONDO:0012843, OMIM 612269.

Allele frequency attached by ClinVar (database versions not stated): gnomAD exomes below 0.00001; ExAC 0.00001; TOPMed 0.00001.
gnomAD v4.1: 3 of 1,614,060 alleles (0.00019%); highest among the groups gnomAD compares: East Asian, 0.0022%; no homozygotes.

Submission:

Labcorp Genetics (formerly Invitae), Labcorp
Classification: Uncertain significance for Epilepsy, childhood absence, susceptibility to, 5; Epilepsy, childhood absence, susceptibility to, 1. Last evaluated: 2024-06-11. Review status: criteria provided, single submitter. Criteria: Invitae Variant Classification Sherloc (09022015). Collection method: clinical testing. Allele origin: germline.
Comment: This sequence change replaces arginine, which is basic and polar, with glutamine, which is neutral and polar, at codon 111 of the GABRB3 protein (p.Arg111Gln). This variant is present in population databases (rs777756010, gnomAD 0.006%). This variant has not been reported in the literature in individuals affected with GABRB3-related conditions. Advanced modeling of protein sequence and biophysical properties (such as structural, functional, and spatial information, amino acid conservation, physicochemical variation, residue mobility, and thermodynamic stability) performed at Invitae indicates that this missense variant is expected to disrupt GABRB3 protein function with a positive predictive value of 80%. In summary, the available evidence is currently insufficient to determine the role of this variant in disease. Therefore, it has been classified as a Variant of Uncertain Significance.

NM_000814.6(GABRB3):c.332G>A (p.Arg111Gln)

Gene: GABRB3 (gamma-aminobutyric acid type A receptor subunit beta3; minus strand). Cytogenetic location: 15q12.
Variant type: single nucleotide variant.
Coding change: c.332G>A on transcript NM_000814.6 (MANE Select); coding-DNA position 332, G replaced by A.
Protein change: p.Arg111Gln; replaces arginine 111 with glutamine.
Molecular consequence: missense variant. On other transcripts: non-coding transcript variant (1).
Genome position (GRCh38, 1-based): chr15:26,621,443, C>T on the plus strand (G>A on the coding strand, the complement: GABRB3 is on the minus strand). VCF-style: chr15-26621443-C-T. GRCh37 (hg19) VCF-style: chr15-26866590-C-T.
Other names: c.77G>A, p.Arg26Gln (NM_001191320.2, NM_001278631.2); c.119G>A, p.Arg40Gln (NM_001191321.3); c.332G>A, p.Arg111Gln (NM_021912.5); short protein forms R111Q, R26Q, R40Q.
Identifiers: ClinVar variation 2943737 (VCV002943737.3), dbSNP rs777756010, ClinGen allele CA7437464.